The following is an entry in ClinVar:

NM_006015.6(ARID1A):c.494C>T (p.Ala165Val)

Gene: ARID1A (AT-rich interaction domain 1A; plus strand). Cytogenetic location: 1p36.11.
Variant type: single nucleotide variant.
Coding change: c.494C>T on transcript NM_006015.6 (MANE Select); coding-DNA position 494, C replaced by T.
Protein change: p.Ala165Val; replaces alanine 165 with valine.
Molecular consequence: missense variant.
Genome position (GRCh38, 1-based): chr1:26,696,897, C>T. VCF-style: chr1-26696897-C-T. GRCh37 (hg19) VCF-style: chr1-27023388-C-T.
Other names: c.494C>T, p.Ala165Val (NM_139135.4); short protein forms A165V.
Identifiers: ClinVar variation 3895623 (VCV003895623.1).
Genomic context (GRCh38, chr1:26,696,897, plus strand): 5'-CCCCAGCCTACGGCTTCGGGCAACCCTACGGCCGGAGCCCGTCTGCCGTCGCCGCCGCCG[C>T]GGCCGCCGTCTTCCACCAACAACATGGCGGACAACAAAGCCCTGGCCTGGCAGCGCTGCA-3'
Protein context (NP_006006.3, residues 155-175): GRSPSAVAAA[Ala165Val]AAVFHQQHGG

ClinVar aggregate classification (germline): Uncertain significance (1 of 4 stars; one submission).

gnomAD v4.1: 3 of 1,374,106 alleles (0.00022%); highest among the groups gnomAD compares: Non-Finnish European, 0.00019%; no homozygotes.

Submission:

Women's Health and Genetics/Laboratory Corporation of America, LabCorp
Classification: Uncertain significance. Last evaluated: 2025-03-17. Review status: criteria provided, single submitter. Criteria: LabCorp Variant Classification Summary - May 2015. Collection method: clinical testing. Allele origin: germline.
Comment: Variant summary: ARID1A c.494C>T (p.Ala165Val) results in a non-conservative amino acid change in the encoded protein sequence. Three of five in-silico tools predict a benign effect of the variant on protein function. The frequency data for this variant in gnomAD is considered unreliable, as metrics indicate poor data quality at this position. To our knowledge, no occurrence of c.494C>T in individuals affected with Mental Retardation, Autosomal Dominant 14 and no experimental evidence demonstrating its impact on protein function have been reported. No submitters have cited clinical-significance assessments for this variant to ClinVar. Based on the evidence outlined above, the variant was classified as uncertain significance.